The following is an entry in ClinVar:

NM_001130438.3(SPTAN1):c.1649del (p.Ala550fs)

Gene: SPTAN1 (spectrin alpha, non-erythrocytic 1; plus strand). Cytogenetic location: 9q34.11.
Variant type: Deletion.
Coding change: c.1649del on transcript NM_001130438.3 (MANE Select); coding-DNA position 1649, one base deleted (C; older notation c.1649delC).
Protein change: p.Ala550fs; shifts the reading frame from alanine 550.
Molecular consequence: frameshift variant.
Genome position (GRCh38, 1-based): chr9:128,582,555, C deleted. VCF-style (leftmost placement, unchanged base first): chr9-128582554-GC-G. GRCh37 (hg19) VCF-style: chr9-131344833-GC-G.
Other names: c.1649del, p.Ala550fs (NM_001195532.2, NM_001363759.2, NM_001363765.2 and 5 more transcripts); c.1685del, p.Ala562fs (NM_001375312.2, NM_001375318.1); short protein forms A550fs, A562fs.
Identifiers: ClinVar variation 3338099 (VCV003338099.1).

ClinVar aggregate classification (germline): Likely pathogenic (0 of 4 stars; one submission).

Conditions:
Developmental and epileptic encephalopathy, 5 (DEE5). Identifiers: Orphanet 3451, MedGen C3150731, MONDO:0013277, OMIM 613477.

Submission:

Solve-RD Consortium
Classification: Likely pathogenic for Developmental and epileptic encephalopathy, 5. Last evaluated: 2022-06-01. Review status: no assertion criteria provided. Collection method: provider interpretation. Allele origin: inherited. Affected: yes.
Comment: Variant confirmed as disease-causing by referring clinical team

Variant identified during reanalysis of unsolved cases by the Solve-RD project. The Solve-RD project has received funding from the European Union’s Horizon 2020 research and innovation programme under grant agreement No 779257.

Literature cited by the submitters: PubMed 39825153.